The following is an entry in ClinVar:

NM_001329943.3(KIAA0586):c.1085del (p.Asn362fs)

Gene: KIAA0586 (KIAA0586; plus strand). Cytogenetic location: 14q23.1.
Variant type: Deletion.
Coding change: c.1085del on transcript NM_001329943.3 (MANE Select); coding-DNA position 1085, one base deleted (A; older notation c.1085delA).
Protein change: p.Asn362fs; shifts the reading frame from asparagine 362.
Molecular consequence: frameshift variant.
Genome position (GRCh38, 1-based): chr14:58,450,702, A deleted; the last of 4 consecutive A bases (chr14:58,450,699-58,450,702); deleting any one gives the same sequence. VCF-style (leftmost placement, unchanged base first): chr14-58450698-GA-G. GRCh37 (hg19) VCF-style: chr14-58917416-GA-G.
Other names: c.1085del, p.Asn362fs (NM_014749.5, NM_001329944.2, NM_001329946.2 and 1 more transcripts); c.1244del, p.Asn415fs (NM_001244189.2); c.1040del, p.Asn347fs (NM_001244190.2); c.830del, p.Asn277fs (NM_001244191.2, NM_001329945.2, NM_001364700.1 and 1 more transcripts); c.953del, p.Asn318fs (NM_001244192.2); c.665del, p.Asn222fs (NM_001244193.2); short protein forms N277fs, N347fs, N415fs, N222fs, N362fs, N318fs.
Identifiers: ClinVar variation 2942852 (VCV002942852.3), dbSNP rs2542947219, ClinGen allele CA2740097088.

ClinVar aggregate classification (germline): Pathogenic (1 of 4 stars; one submission).

Conditions:
Short-rib thoracic dysplasia 14 with polydactyly (SRTD14). Identifiers: Orphanet 397715, MedGen C4225286, MONDO:0014688, OMIM 616546.
Joubert syndrome 23 (JBTS23). Identifiers: Orphanet 475, MedGen C4084822, MONDO:0014664, OMIM 616490.

Submission:

Labcorp Genetics (formerly Invitae), Labcorp
Classification: Pathogenic for Joubert syndrome 23; Short-rib thoracic dysplasia 14 with polydactyly. Last evaluated: 2022-12-31. Review status: criteria provided, single submitter. Criteria: Invitae Variant Classification Sherloc (09022015). Collection method: clinical testing. Allele origin: germline.
Comment: For these reasons, this variant has been classified as Pathogenic. This variant has not been reported in the literature in individuals affected with KIAA0586-related conditions. This variant is not present in population databases (gnomAD no frequency). This sequence change creates a premature translational stop signal (p.Asn415Ilefs*18) in the KIAA0586 gene. It is expected to result in an absent or disrupted protein product. Loss-of-function variants in KIAA0586 are known to be pathogenic (PMID: 26096313, 26166481, 26386044).

Literature cited by the submitters: PubMed 26096313; PubMed 26166481; PubMed 26386044.